The following is an entry in ClinVar:

ClinVar aggregate classification (germline): Likely benign. Review status: criteria provided, single submitter (1 of 4 stars). 2 submissions from 2 submitters: Likely benign (1). 1 of the submissions does not count toward it. Last evaluated 2022-05-25.

Conditions:
HOXA2-related disorder. Also called: HOXA2-related condition.

Allele frequency attached by ClinVar (database versions not stated): ExAC 0.00001; gnomAD exomes 0.00001; gnomAD 0.00009; TOPMed 0.00020; 1000 Genomes Project 0.00040; 1000 Genomes Project 30x 0.00047.
gnomAD v4.1: 26 of 1,614,240 alleles (0.0016%); highest among the groups gnomAD compares: Admixed American, 0.025%; no homozygotes.

Submissions (2):

Blueprint Genetics
Classification: Likely benign. Last evaluated: 2022-05-25. Review status: criteria provided, single submitter. Criteria: ACMG Guidelines, 2015. Collection method: clinical testing. Allele origin: germline.

PreventionGenetics, part of Exact Sciences
Classification: Likely benign for HOXA2-related condition. Last evaluated: 2020-08-03. Review status: no assertion criteria provided. Collection method: clinical testing. Allele origin: germline. Not counted in ClinVar's aggregate classification.
Comment: This variant is classified as likely benign based on ACMG/AMP sequence variant interpretation guidelines (Richards et al. 2015 PMID: 25741868, with internal and published modifications).

NM_006735.4(HOXA2):c.597G>A (p.Lys199=)

Gene: HOXA2 (homeobox A2; minus strand). Cytogenetic location: 7p15.2.
Variant type: single nucleotide variant.
Coding change: c.597G>A on transcript NM_006735.4 (MANE Select); coding-DNA position 597, G replaced by A.
Protein change: p.Lys199=; no amino-acid change (lysine 199 retained).
Molecular consequence: synonymous variant.
Genome position (GRCh38, 1-based): chr7:27,101,260, C>T on the plus strand (G>A on the coding strand, the complement: HOXA2 is on the minus strand). VCF-style: chr7-27101260-C-T. GRCh37 (hg19) VCF-style: chr7-27140879-C-T.
Identifiers: ClinVar variation 3036702 (VCV003036702.3), dbSNP rs184109877, ClinGen allele CA4196179.